The following is an entry in ClinVar:

ClinVar aggregate classification (germline): Uncertain significance (1 of 4 stars; one submission).

Allele frequency attached by ClinVar (database versions not stated): TOPMed below 0.00001.
gnomAD v4.1: 3 of 1,611,208 alleles (0.00019%); highest among the groups gnomAD compares: Middle Eastern, 0.017%; no homozygotes.

Submission:

Labcorp Genetics (formerly Invitae), Labcorp
Classification: Uncertain significance. Last evaluated: 2024-05-26. Review status: criteria provided, single submitter. Criteria: Invitae Variant Classification Sherloc (09022015). Collection method: clinical testing. Allele origin: germline.
Comment: This sequence change falls in intron 21 of the MYO5B gene. It does not directly change the encoded amino acid sequence of the MYO5B protein. It affects a nucleotide within the consensus splice site. This variant is not present in population databases (gnomAD no frequency). This variant has not been reported in the literature in individuals affected with MYO5B-related conditions. ClinVar contains an entry for this variant (Variation ID: 1371963). Variants that disrupt the consensus splice site are a relatively common cause of aberrant splicing (PMID: 17576681, 9536098). Algorithms developed to predict the effect of sequence changes on RNA splicing suggest that this variant is not likely to affect RNA splicing. In summary, the available evidence is currently insufficient to determine the role of this variant in disease. Therefore, it has been classified as a Variant of Uncertain Significance.

Literature cited by the submitters: PubMed 17576681; PubMed 9536098.

NM_001080467.3(MYO5B):c.2811+5G>T

Gene: MYO5B (myosin VB; minus strand). Cytogenetic location: 18q21.1.
Variant type: single nucleotide variant.
Coding change: c.2811+5G>T on transcript NM_001080467.3 (MANE Select); 5 bases into the intron after coding-DNA position 2811, G replaced by T.
Molecular consequence: intron variant.
Genome position (GRCh38, 1-based): chr18:49,902,589, C>A on the plus strand (G>T on the coding strand, the complement: MYO5B is on the minus strand). VCF-style: chr18-49902589-C-A. GRCh37 (hg19) VCF-style: chr18-47428959-C-A.
Identifiers: ClinVar variation 1371963 (VCV001371963.6), dbSNP rs1387789818, ClinGen allele CA780109737.